The following is an entry in ClinVar:

ClinVar aggregate classification (germline): Uncertain significance. Review status: criteria provided, multiple submitters, no conflicts (2 of 4 stars). 2 submissions from 2 submitters: Uncertain significance (2). Last evaluated 2023-12-27.

Conditions:
Familial dysautonomia. Also called: FD; HSAN III. Identifiers: Orphanet 1764, MedGen C0013364, MONDO:0009131, OMIM 223900. Disease mechanism: loss of function.
Medulloblastoma (MDB). Also called: MEDULLOBLASTOMA PREDISPOSITION SYNDROME; Medulloblastoma, somatic. Identifiers: Orphanet 616, MedGen C0025149, MeSH D008527, MONDO:0007959, OMIM 155255, HP:0002885.

Allele frequency attached by ClinVar (database versions not stated): gnomAD 0.00001; gnomAD exomes 0.00001; TOPMed 0.00001.
gnomAD v4.1: 19 of 1,613,898 alleles (0.0012%); highest among the groups gnomAD compares: Non-Finnish European, 0.0016%; no homozygotes.

Submissions (2):

Fulgent Genetics
Classification: Uncertain significance for Medulloblastoma; Familial dysautonomia. Last evaluated: 2023-12-27. Review status: criteria provided, single submitter. Criteria: ACMG Guidelines, 2015. Collection method: clinical testing. Allele origin: germline.

Ambry Genetics
Classification: Uncertain significance. Last evaluated: 2019-11-19. Review status: criteria provided, single submitter. Criteria: Ambry Variant Classification Scheme 2023. Collection method: clinical testing. Allele origin: germline.
Comment: The p.H859R variant (also known as c.2576A>G), located in coding exon 23 of the IKBKAP gene, results from an A to G substitution at nucleotide position 2576. The histidine at codon 859 is replaced by arginine, an amino acid with highly similar properties. This amino acid position is well conserved in available vertebrate species. In addition, this alteration is predicted to be tolerated by in silico analysis. Since supporting evidence is limited at this time, the clinical significance of this alteration remains unclear.

NM_003640.5(ELP1):c.2576A>G (p.His859Arg)

Gene: ELP1 (elongator acetyltransferase complex subunit 1; minus strand). Cytogenetic location: 9q31.3.
Variant type: single nucleotide variant.
Coding change: c.2576A>G on transcript NM_003640.5 (MANE Select); coding-DNA position 2576, A replaced by G.
Protein change: p.His859Arg; replaces histidine 859 with arginine.
Molecular consequence: missense variant.
Genome position (GRCh38, 1-based): chr9:108,896,964, T>C on the plus strand (A>G on the coding strand, the complement: ELP1 is on the minus strand). VCF-style: chr9-108896964-T-C. GRCh37 (hg19) VCF-style: chr9-111659244-T-C.
Other names: c.2234A>G, p.His745Arg (NM_001318360.2); c.1529A>G, p.His510Arg (NM_001330749.2); short protein forms H510R, H745R, H859R.
Identifiers: ClinVar variation 1799579 (VCV001799579.3), dbSNP rs1226691975, ClinGen allele CA374420341.